The following is an entry in ClinVar:

NM_004184.4(WARS1):c.669C>T (p.Ile223=)

Gene: WARS1 (tryptophanyl-tRNA synthetase 1; minus strand). Cytogenetic location: 14q32.2.
Variant type: single nucleotide variant.
Coding change: c.669C>T on transcript NM_004184.4 (MANE Select); coding-DNA position 669, C replaced by T.
Protein change: p.Ile223=; no amino-acid change (isoleucine 223 retained).
Molecular consequence: synonymous variant.
Genome position (GRCh38, 1-based): chr14:100,353,743, G>A on the plus strand (C>T on the coding strand, the complement: WARS1 is on the minus strand). VCF-style: chr14-100353743-G-A. GRCh37 (hg19) VCF-style: chr14-100820080-G-A.
Other names: c.669C>T, p.Ile223= (NM_173701.2); c.546C>T, p.Ile182= (NM_213645.2, NM_213646.2); c.669C>T (NM_004184.3).
Identifiers: ClinVar variation 2644531 (VCV002644531.25), dbSNP rs752889460, ClinGen allele CA7345237.
Genomic context (GRCh38, chr14:100,353,743, plus strand): 5'-TTACCCCATGTAGTCCAGGTCAGAGAATATGAAAGTCTTGTTGATGTCAAAGCCACAGGC[G>A]ATGATGTCCTTGGCATTCTCCACAGCATAGCTATAGGCCTGGTCCAGGGTCAGGTCCTTC-3'
Protein context (NP_004175.2, residues 213-233): SYAVENAKDI[Ile223=]ACGFDINKTF

ClinVar aggregate classification (germline): Likely benign. Review status: criteria provided, single submitter (1 of 4 stars). 2 submissions from 2 submitters: Likely benign (1). 1 of the submissions does not count toward it. Last evaluated 2026-06-01.

Conditions:
WARS1-related disorder. Also called: WARS1-related condition.

Allele frequency attached by ClinVar (database versions not stated): ExAC 0.00016; gnomAD exomes 0.00017; gnomAD 0.00019; TOPMed 0.00027.
gnomAD v4.1: 276 of 1,614,076 alleles (0.017%); highest among the groups gnomAD compares: Admixed American, 0.028%; no homozygotes.

Submissions (2):

CeGaT Center for Human Genetics Tuebingen
Classification: Likely benign. Last evaluated: 2026-06-01. Review status: criteria provided, single submitter. Criteria: CeGaT Center For Human Genetics Tuebingen Variant Classification Criteria Version 2. Collection method: clinical testing. Allele origin: germline. Affected: yes. Observed: 4 variant alleles.
Comment: WARS1: BP4, BP7

PreventionGenetics, part of Exact Sciences
Classification: Likely benign for WARS1-related condition. Last evaluated: 2019-07-15. Review status: no assertion criteria provided. Collection method: clinical testing. Allele origin: germline. Not counted in ClinVar's aggregate classification.
Comment: This variant is classified as likely benign based on ACMG/AMP sequence variant interpretation guidelines (Richards et al. 2015 PMID: 25741868, with internal and published modifications).